The following is an entry in ClinVar:

NM_000038.6(APC):c.8291C>G (p.Ser2764Cys)

Gene: APC (APC regulator of Wnt signaling pathway; plus strand). Cytogenetic location: 5q22.2.
Variant type: single nucleotide variant.
Coding change: c.8291C>G on transcript NM_000038.6 (MANE Select); coding-DNA position 8291, C replaced by G.
Protein change: p.Ser2764Cys; replaces serine 2764 with cysteine.
Molecular consequence: missense variant.
Genome position (GRCh38, 1-based): chr5:112,843,885, C>G. VCF-style: chr5-112843885-C-G. GRCh37 (hg19) VCF-style: chr5-112179582-C-G.
Other names: c.8291C>G, p.Ser2764Cys (NM_001127510.3, NM_001354895.2); c.8237C>G, p.Ser2746Cys (NM_001127511.3); c.8345C>G, p.Ser2782Cys (NM_001354896.2); c.8321C>G, p.Ser2774Cys (NM_001354897.2); c.8216C>G, p.Ser2739Cys (NM_001354898.2); c.8207C>G, p.Ser2736Cys (NM_001354899.2); c.8168C>G, p.Ser2723Cys (NM_001354900.2); c.8114C>G, p.Ser2705Cys (NM_001354901.2); and 5 more; short protein forms S2746C, S2764C, S2673C, S2736C, S2774C, S2481C, S2705C, S2739C.
Identifiers: ClinVar variation 377495 (VCV000377495.20), dbSNP rs1057520223, ClinGen allele CA16039320.

ClinVar aggregate classification (germline): Uncertain significance. Review status: criteria provided, multiple submitters, no conflicts (2 of 4 stars). 5 submissions from 5 submitters: Uncertain significance (5). Last evaluated 2025-12-13.

Conditions:
APC-related disorder. Also called: APC-related condition.
Hereditary cancer-predisposing syndrome. Also called: Hereditary neoplastic syndrome; Hereditary Cancer Syndrome; Neoplastic Syndromes, Hereditary; Tumor predisposition. Identifiers: Orphanet 140162, MedGen C0027672, MeSH D009386, MONDO:0015356.
Familial adenomatous polyposis 1 (FAP1). Also called: FAMILIAL ADENOMATOUS POLYPOSIS 1, ATTENUATED; POLYPOSIS, ADENOMATOUS INTESTINAL. Identifiers: MedGen C2713442, MONDO:0021056, OMIM 175100. Disease mechanism: loss of function.

Allele frequency attached by ClinVar (database versions not stated): gnomAD exomes below 0.00001; TOPMed below 0.00001; gnomAD 0.00001.
gnomAD v4.1: 7 of 1,613,794 alleles (0.00043%); highest among the groups gnomAD compares: Non-Finnish European, 0.00051%; no homozygotes.

Submissions (5):

Ambry Genetics
Classification: Uncertain significance for Hereditary cancer-predisposing syndrome. Last evaluated: 2025-12-13. Review status: criteria provided, single submitter. Criteria: Ambry Variant Classification Scheme 2023. Collection method: clinical testing. Allele origin: germline.
Comment: The p.S2764C variant (also known as c.8291C>G), located in coding exon 15 of the APC gene, results from a C to G substitution at nucleotide position 8291. The serine at codon 2764 is replaced by cysteine, an amino acid with dissimilar properties. This amino acid position is highly conserved in available vertebrate species. In addition, in silico predictors for this gene do not accurately predict pathogenicity. Since supporting evidence is limited at this time, the clinical significance of this alteration remains unclear.

Labcorp Genetics (formerly Invitae), Labcorp
Classification: Uncertain significance for Familial adenomatous polyposis 1. Last evaluated: 2024-09-15. Review status: criteria provided, single submitter. Criteria: Invitae Variant Classification Sherloc (09022015). Collection method: clinical testing. Allele origin: germline.
Comment: This sequence change replaces serine, which is neutral and polar, with cysteine, which is neutral and slightly polar, at codon 2764 of the APC protein (p.Ser2764Cys). This variant is not present in population databases (gnomAD no frequency). This variant has not been reported in the literature in individuals affected with APC-related conditions. ClinVar contains an entry for this variant (Variation ID: 377495). Invitae Evidence Modeling of protein sequence and biophysical properties (such as structural, functional, and spatial information, amino acid conservation, physicochemical variation, residue mobility, and thermodynamic stability) indicates that this missense variant is not expected to disrupt APC protein function with a negative predictive value of 95%. In summary, the available evidence is currently insufficient to determine the role of this variant in disease. Therefore, it has been classified as a Variant of Uncertain Significance.

Color Diagnostics, LLC DBA Color Health
Classification: Uncertain significance for Hereditary cancer-predisposing syndrome. Last evaluated: 2024-04-10. Review status: criteria provided, single submitter. Criteria: ACMG Guidelines, 2015. Collection method: clinical testing. Allele origin: germline.
Comment: This missense variant replaces serine with cysteine at codon 2764 of the APC protein. Computational prediction suggests that this variant may not impact protein structure and function (internally defined REVEL score threshold <= 0.5, PMID: 27666373). To our knowledge, functional studies have not been reported for this variant. This variant has not been reported in individuals affected with APC-related disorders in the literature. This variant has not been identified in the general population by the Genome Aggregation Database (gnomAD). The available evidence is insufficient to determine the role of this variant in disease conclusively. Therefore, this variant is classified as a Variant of Uncertain Significance.

PreventionGenetics, part of Exact Sciences
Classification: Uncertain significance for APC-related condition. Last evaluated: 2022-12-27. Review status: criteria provided, single submitter. Criteria: ACMG Guidelines, 2015. Collection method: clinical testing. Allele origin: germline.
Comment: The APC c.8291C>G variant is predicted to result in the amino acid substitution p.Ser2764Cys. To our knowledge, this variant has not been reported in the literature or in a large population database, indicating this variant is rare. This variant has been reported in ClinVar as uncertain by multiple laboratories (ClinVar ID: 377495). At this time, the clinical significance of this variant is uncertain due to the absence of conclusive functional and genetic evidence.

GeneDx
Classification: Uncertain significance. Last evaluated: 2019-07-10. Review status: criteria provided, single submitter. Criteria: GeneDx Variant Classification Process June 2021. Collection method: clinical testing. Allele origin: germline. Affected: yes.
Comment: Not observed in large population cohorts (Lek et al., 2016); In silico analysis, which includes protein predictors and evolutionary conservation, supports that this variant does not alter protein structure/function; Has not been previously published as pathogenic or benign to our knowledge